The following is an entry in ClinVar:

ClinVar aggregate classification (germline): Uncertain significance (1 of 4 stars; one submission).

Submission:

Ambry Genetics
Classification: Uncertain significance. Last evaluated: 2025-09-07. Review status: criteria provided, single submitter. Criteria: Ambry Variant Classification Scheme 2023. Collection method: clinical testing. Allele origin: germline.
Comment: The p.C323Y variant (also known as c.968G>A), located in coding exon 8 of the GEN1 gene, results from a G to A substitution at nucleotide position 968. The cysteine at codon 323 is replaced by tyrosine, an amino acid with highly dissimilar properties. This amino acid position is conserved. In addition, this alteration is predicted to be tolerated by in silico analysis. Based on the available evidence, the clinical significance of this variant remains unclear.

NM_001130009.3(GEN1):c.968G>A (p.Cys323Tyr)

Gene: GEN1 (GEN1 Holliday junction 5' flap endonuclease; plus strand). Cytogenetic location: 2p24.2.
Variant type: single nucleotide variant.
Coding change: c.968G>A on transcript NM_001130009.3 (MANE Select); coding-DNA position 968, G replaced by A.
Protein change: p.Cys323Tyr; replaces cysteine 323 with tyrosine.
Molecular consequence: missense variant.
Genome position (GRCh38, 1-based): chr2:17,773,110, G>A. VCF-style: chr2-17773110-G-A. GRCh37 (hg19) VCF-style: chr2-17954377-G-A.
Other names: c.968G>A, p.Cys323Tyr (NM_182625.5); short protein forms C323Y.
Identifiers: ClinVar variation 4263127 (VCV004263127.1).
Genomic context (GRCh38, chr2:17,773,110, plus strand): 5'-AAATTGTCTGATTATAGTAATAACATGTATATAATTTTTTTTTCAGGAAAGCTTGCTGTT[G>A]TGAGGGATTCCCATTCCATGAGGTAATATCCAGTAATTCAACTCTATTAATTTTAGAAAC-3'
Protein context (NP_001123481.3, residues 313-333): ENNIKKKACC[Cys323Tyr]EGFPFHEVIQ